The following is an entry in ClinVar:

NM_001347721.2(DYRK1A):c.194C>T (p.Pro65Leu)

Gene: DYRK1A (dual specificity tyrosine phosphorylation regulated kinase 1A; plus strand). Cytogenetic location: 21q22.13.
Variant type: single nucleotide variant.
Coding change: c.194C>T on transcript NM_001347721.2 (MANE Select); coding-DNA position 194, C replaced by T.
Protein change: p.Pro65Leu; replaces proline 65 with leucine.
Molecular consequence: missense variant.
Genome position (GRCh38, 1-based): chr21:37,472,867, C>T. VCF-style: chr21-37472867-C-T. GRCh37 (hg19) VCF-style: chr21-38845169-C-T.
Other names: c.194C>T, p.Pro65Leu (NM_001347722.2, NM_001396.5, NM_101395.2 and 2 more transcripts); c.107C>T, p.Pro36Leu (NM_001347723.2); short protein forms P36L, P65L.
Identifiers: ClinVar variation 3365730 (VCV003365730.1).
Genomic context (GRCh38, chr21:37,472,867, plus strand): 5'-AGCCAAACATAAGTGACCAACAGGTTTCTGCCTTATCATATTCTGACCAGATTCAGCAAC[C>T]TCTAACTAACCAGGTAAGTTCATGGAGTATCAGAAATGACTATTGGAATGGCAGTTTATT-3'
Protein context (NP_001334650.1, residues 55-75): ALSYSDQIQQ[Pro65Leu]LTNQRRMPQT

ClinVar aggregate classification (germline): Uncertain significance (1 of 4 stars; one submission).

Submission:

GeneDx
Classification: Uncertain significance. Last evaluated: 2023-12-16. Review status: criteria provided, single submitter. Criteria: GeneDx Variant Classification Process June 2021. Collection method: clinical testing. Allele origin: germline. Affected: yes.
Comment: Not observed at significant frequency in large population cohorts (gnomAD); In silico analysis supports that this missense variant has a deleterious effect on protein structure/function; Has not been previously published as pathogenic or benign to our knowledge